The following is an entry in ClinVar:

NM_001754.5(RUNX1):c.267G>A (p.Leu89=)

Gene: RUNX1 (RUNX family transcription factor 1; minus strand). Cytogenetic location: 21q22.12.
Variant type: single nucleotide variant.
Coding change: c.267G>A on transcript NM_001754.5 (MANE Select); coding-DNA position 267, G replaced by A.
Protein change: p.Leu89=; no amino-acid change (leucine 89 retained).
Molecular consequence: synonymous variant.
Genome position (GRCh38, 1-based): chr21:34,886,927, C>T on the plus strand (G>A on the coding strand, the complement: RUNX1 is on the minus strand). VCF-style: chr21-34886927-C-T. GRCh37 (hg19) VCF-style: chr21-36259224-C-T.
Other names: NM_001754.5(RUNX1):c.267G>A; p.Leu89=; c.186G>A, p.Leu62= (NM_001001890.3, NM_001122607.2).
Identifiers: ClinVar variation 1701951 (VCV001701951.5), dbSNP rs2146409992, ClinGen allele CA512318871.
Genomic context (GRCh38, chr21:34,886,927, plus strand): 5'-GTTGCAGCGCCAGTGCGTAGGCAGCACGGAGCAGAGGAAGTTGGGGCTGTCGGTGCGCAC[C>T]AGCTCGCCCGGGTGGTCGGCCAGCACCTCCACCATGCTGCGGTCGCCGCTCCTCAGCTTG-3'
Protein context (NP_001745.2, residues 79-99): VEVLADHPGE[Leu89=]VRTDSPNFLC

ClinVar aggregate classification (germline): Likely benign. Review status: reviewed by expert panel (3 of 4 stars). 3 submissions from 3 submitters: Likely benign (1). 2 of the submissions do not count toward it. Last evaluated 2026-05-04.

Conditions:
Hereditary thrombocytopenia and hematologic cancer predisposition syndrome. Identifiers: Orphanet 71290, MedGen CN281654, MONDO:0011071.
Acute myeloid leukemia (AML). Also called: Leukemia, acute myeloid, somatic; Leukemia, acute myelogenous, somatic; Acute myeloid leukemia, adult; AML adult; Acute non-lymphocytic leukemia; Acute granulocytic leukemia. Identifiers: Orphanet 519, MedGen C0023467, MeSH D015470, MONDO:0018874, OMIM 601626, HP:0004808. Disease mechanism: Constitutively activated FLT3.
Inborn genetic diseases. Identifiers: MedGen C0950123, MeSH D030342.

Allele frequency attached by ClinVar (database versions not stated): gnomAD exomes below 0.00001.
gnomAD v4.1: 1 of 1,613,316 alleles (0.000062%); highest among the groups gnomAD compares: Non-Finnish European, 0.000085%; no homozygotes.

Submissions (3):

ClinGen Myeloid Malignancy Variant Curation Expert Panel
Classification: Likely benign for Hereditary thrombocytopenia and hematologic cancer predisposition syndrome. Last evaluated: 2026-05-04. Review status: reviewed by expert panel. Criteria: ClinGen MyeloMalig ACMG Specifications V3.1. Collection method: curation. Allele origin: germline. Inheritance: Autosomal dominant inheritance.
Comment: NM_001754.5(RUNX1):c.267G>A (p.Leu89=) is a synonymous variant which has a SpliceAI score ≤ 0.20 (0.01) (BP4, BP7). This variant has a MAF ≤ 0.00005 in gnomAD v4 across all subpopulations with at least 20x coverage for RUNX1 (PM2_supporting). In summary, this variant meets criteria to be classified as likely benign. ACMG/AMP criteria applied, as specified by the Myeloid Malignancy Variant Curation Expert Panel for RUNX1: BP4, BP7, PM2_supporting.

Ambry Genetics
Classification: Likely benign for Inborn genetic diseases. Last evaluated: 2025-09-12. Review status: criteria provided, single submitter. Criteria: Ambry Variant Classification Scheme 2023. Collection method: clinical testing. Allele origin: germline. Not counted in ClinVar's aggregate classification.

Nadeem Sheikh Lab, University of the Punjab
Classification: Pathogenic for Acute Myeloid Leukemia. Review status: no assertion criteria provided. Collection method: clinical testing. Allele origin: somatic. Affected: yes. Not counted in ClinVar's aggregate classification.